The following is an entry in ClinVar:

NM_004006.3(DMD):c.3369del (p.Phe1123fs)

Gene: DMD (dystrophin; minus strand). Cytogenetic location: Xp21.1.
Variant type: Deletion.
Coding change: c.3369del on transcript NM_004006.3 (MANE Select); coding-DNA position 3369, one base deleted (T; older notation c.3369delT).
Protein change: p.Phe1123fs; shifts the reading frame from phenylalanine 1123.
Molecular consequence: frameshift variant.
Genome position (GRCh38, 1-based): chrX:32,463,502, A deleted on the plus strand (T on the coding strand, the reverse complement: DMD is on the minus strand); the first of 3 consecutive A bases (chrX:32,463,502-32,463,504); deleting any one gives the same sequence. VCF-style (leftmost placement, unchanged base first): chrX-32463501-CA-C. GRCh37 (hg19) VCF-style: chrX-32481618-CA-C.
Other names: c.3345del, p.Phe1115fs (NM_000109.4); c.3357del, p.Phe1119fs (NM_004009.3); c.3000del, p.Phe1000fs (NM_004010.3); short protein forms F1115fs, F1119fs, F1123fs, F1000fs.
Identifiers: ClinVar variation 4730255 (VCV004730255.1).

ClinVar aggregate classification (germline): Pathogenic (1 of 4 stars; one submission).

Conditions:
Duchenne muscular dystrophy (DMD). Also called: MUSCULAR DYSTROPHY, PSEUDOHYPERTROPHIC PROGRESSIVE, DUCHENNE TYPE; Duchenne Muscular Dystrophy (DMD). Identifiers: Orphanet 98896, MedGen C0013264, MONDO:0010679, OMIM 310200.

Submission:

Labcorp Genetics (formerly Invitae), Labcorp
Classification: Pathogenic for Duchenne muscular dystrophy. Last evaluated: 2025-11-18. Review status: criteria provided, single submitter. Criteria: Invitae Variant Classification Sherloc (09022015). Collection method: clinical testing. Allele origin: germline.
Comment: This sequence change creates a premature translational stop signal (p.Phe1123Leufs*30) in the DMD gene. It is expected to result in an absent or disrupted protein product. Loss-of-function variants in DMD are known to be pathogenic (PMID: 16770791, 25007885). This variant is not present in population databases (gnomAD no frequency). This variant has not been reported in the literature in individuals affected with DMD-related conditions. For these reasons, this variant has been classified as Pathogenic.

Literature cited by the submitters: PubMed 16770791; PubMed 25007885.